The following is an entry in ClinVar:

ClinVar aggregate classification (germline): Pathogenic/Likely pathogenic. Review status: criteria provided, multiple submitters, no conflicts (2 of 4 stars). 5 submissions from 5 submitters: Pathogenic (2); Likely pathogenic (1). 2 of the submissions do not count toward it. Last evaluated 2024-06-25.

Conditions:
Neuronal ceroid lipofuscinosis. Also called: Neuronal Ceroid Lipofuscinoses. Identifiers: Orphanet 216, Orphanet 79263, MedGen C0027877, MONDO:0016295. Disease mechanism: loss of function.
Neuronal ceroid lipofuscinosis 3 (CLN3). Identifiers: Orphanet 228346, MedGen C0751383, MONDO:0008767, OMIM 204200.
Juvenile neuronal ceroid lipofuscinosis. Also called: Batten Disease. Identifiers: Orphanet 79264, MedGen CN293564, MONDO:0019262.

Allele frequency attached by ClinVar (database versions not stated): gnomAD exomes below 0.00001.

Submissions (5):

Natera, Inc.
Classification: Pathogenic for Batten Disease. Last evaluated: 2024-06-25. Review status: criteria provided, single submitter. Criteria: Natera Variant Classification Schema (03/2026). Collection method: clinical testing. Allele origin: germline.
Comment: The c.558_559delAG variant in CLN3 is a frameshift variant predicted to shift the reading frame beginning at codon 187 and leads to a stop codon 48 codons downstream. This variant is expected to result in nonsense mediated decay, truncation, or a dysfunctional protein product. This variant is rare in the general population with a frequency below the threshold expected for the associated phenotype(s). This variant has been observed in one or more individuals affected with the associated recessive disease, as either homozygous or compound heterozygous with a second variant (PMID: 36071899, 9311735). Given the available evidence, this variant is classified as Pathogenic.

Labcorp Genetics (formerly Invitae), Labcorp
Classification: Pathogenic for Neuronal ceroid lipofuscinosis. Last evaluated: 2023-04-10. Review status: criteria provided, single submitter. Criteria: Invitae Variant Classification Sherloc (09022015). Collection method: clinical testing. Allele origin: germline.
Comment: For these reasons, this variant has been classified as Pathogenic. ClinVar contains an entry for this variant (Variation ID: 56280). This variant is also known as c.558delAG. This premature translational stop signal has been observed in individual(s) with clinical features of neuronal ceroid lipofuscinosis (PMID: 9311735). This variant is present in population databases (rs386833729, gnomAD 0.0009%). This sequence change creates a premature translational stop signal (p.Gly187Aspfs*48) in the CLN3 gene. It is expected to result in an absent or disrupted protein product. Loss-of-function variants in CLN3 are known to be pathogenic (PMID: 9311735, 28542676).

Women's Health and Genetics/Laboratory Corporation of America, LabCorp
Classification: Likely pathogenic for Neuronal ceroid lipofuscinosis. Last evaluated: 2022-05-31. Review status: criteria provided, single submitter. Criteria: LabCorp Variant Classification Summary - May 2015. Collection method: clinical testing. Allele origin: germline.
Comment: Variant summary: CLN3 c.558_559delAG (p.Gly187AspfsX48) results in a premature termination codon, predicted to cause a truncation of the encoded protein or absence of the protein due to nonsense mediated decay, which are commonly known mechanisms for disease. Truncations downstream of this position have been classified as pathogenic by our laboratory. The variant allele was found at a frequency of 4e-06 in 247310 control chromosomes. c.558_559delAG has been reported in the literature in an individual with early onset retinitis pigmentosa and an individual affected with Juvenile Neuronal Ceroid-Lipofuscinosis (Juvenile Batten Disease)(Di Iorio_2017, Munroe_1997). These data indicate that the variant may be associated with disease. To our knowledge, no experimental evidence demonstrating an impact on protein function has been reported. Two clinical diagnostic laboratories have submitted clinical-significance assessments for this variant to ClinVar after 2014 without evidence for independent evaluation. One laboratory classified the variant as pathogenic and the other as likely pathogenic. Based on the evidence outlined above, the variant was classified as likely pathogenic.

Counsyl
Classification: Likely pathogenic for Neuronal ceroid lipofuscinosis 3. Last evaluated: 2017-08-22. Review status: no assertion criteria provided. Collection method: clinical testing. Allele origin: unknown. Not counted in ClinVar's aggregate classification.

Juha Muilu Group; Institute for Molecular Medicine Finland (FIMM)
Classification: Likely pathogenic for Juvenile neuronal ceroid lipofuscinosis. Review status: no assertion criteria provided. Collection method: not provided. Allele origin: unknown. Not counted in ClinVar's aggregate classification.
Comment: FinDis database variant: This variant was not found or characterized by our laboratory, data were collected from public sources: see reference
ClinVar note: Converted during submission from probable-pathogenic to Likely pathogenic.

Literature cited by the submitters: PubMed 36071899 (cited by Natera, Inc.); PubMed 9311735 (cited by 4 submitters); PubMed 28542676 (cited by Labcorp Genetics (formerly Invitae), Labcorp); PubMed 29053603 (cited by Women's Health and Genetics/Laboratory Corporation of America, LabCorp).

NM_001042432.2(CLN3):c.558_559del (p.Gly187fs)

Gene: CLN3 (CLN3 lysosomal/endosomal transmembrane protein, battenin; minus strand). Cytogenetic location: 16p12.1.
Variant type: Deletion.
Coding change: c.558_559del on transcript NM_001042432.2 (MANE Select); coding-DNA positions 558 to 559, 2 bases deleted (AG; older notation c.558_559delAG).
Protein change: p.Gly187fs; shifts the reading frame from glycine 187.
Molecular consequence: frameshift variant.
Genome position (GRCh38, 1-based): chr16:28,486,465-28,486,466, CT deleted on the plus strand (AG on the coding strand, the reverse complement: CLN3 is on the minus strand). VCF-style (leftmost placement, unchanged base first): chr16-28486464-CCT-C. GRCh37 (hg19) VCF-style: chr16-28497785-CCT-C.
Other names: c.558_559del, p.Gly187fs (NM_000086.2); c.486_487del, p.Gly163fs (NM_001286104.2); c.258_259del, p.Gly87fs (NM_001286105.2); c.324_325del, p.Gly109fs (NM_001286109.2); c.396_397del, p.Gly133fs (NM_001286110.2); c.558_559delAG (NM_001042432.1, NM_000086.2); short protein forms G133fs, G163fs, G87fs, G109fs, G187fs.
Identifiers: ClinVar variation 56280 (VCV000056280.11), dbSNP rs386833729, ClinGen allele CA263702.